The following is an entry in ClinVar:

ClinVar aggregate classification (germline): Likely benign (0 of 4 stars; one submission).

Conditions:
TBX10-related disorder. Also called: TBX10-related condition.

Allele frequency attached by ClinVar (database versions not stated): ExAC 0.00002.
gnomAD v4.1: 4 of 1,596,320 alleles (0.00025%); highest among the groups gnomAD compares: Non-Finnish European, 0.00034%; no homozygotes.

Submission:

PreventionGenetics, part of Exact Sciences
Classification: Likely benign for TBX10-related condition. Last evaluated: 2023-10-19. Review status: no assertion criteria provided. Collection method: clinical testing. Allele origin: germline.
Comment: This variant is classified as likely benign based on ACMG/AMP sequence variant interpretation guidelines (Richards et al. 2015 PMID: 25741868, with internal and published modifications).

NM_005995.5(TBX10):c.1152C>A (p.Ser384=)

Gene: TBX10 (T-box transcription factor 10; minus strand). Cytogenetic location: 11q13.2.
Variant type: single nucleotide variant.
Coding change: c.1152C>A on transcript NM_005995.5 (MANE Select); coding-DNA position 1152, C replaced by A.
Protein change: p.Ser384=; no amino-acid change (serine 384 retained).
Molecular consequence: synonymous variant.
Genome position (GRCh38, 1-based): chr11:67,631,611, G>T on the plus strand (C>A on the coding strand, the complement: TBX10 is on the minus strand). VCF-style: chr11-67631611-G-T. GRCh37 (hg19) VCF-style: chr11-67399082-G-T.
Identifiers: ClinVar variation 3056990 (VCV003056990.2), dbSNP rs754716841, ClinGen allele CA6143764.